The following is an entry in ClinVar:

ClinVar aggregate classification (germline): Pathogenic. Review status: criteria provided, multiple submitters, no conflicts (2 of 4 stars). 3 submissions from 3 submitters: Pathogenic (2). 1 of the submissions does not count toward it. Last evaluated 2025-03-04.

Conditions:
Hereditary cancer-predisposing syndrome. Also called: Neoplastic Syndromes, Hereditary; Tumor predisposition; Hereditary Cancer Syndrome; Hereditary neoplastic syndrome. Identifiers: Orphanet 140162, MedGen C0027672, MeSH D009386, MONDO:0015356.
BAP1-related tumor predisposition syndrome (TPDS1). Also called: Tumor susceptibility linked to germline BAP1 mutations; COMMON Syndrome; TUMOR PREDISPOSITION SYNDROME 1; BAP1 tumor predisposition syndrome. Identifiers: Orphanet 289539, MedGen C3280492, MONDO:0013692, OMIM 614327.

Allele frequency attached by ClinVar (database versions not stated): gnomAD 0.00001.
gnomAD v4.1: 1 of 1,614,026 alleles (0.000062%); highest among the groups gnomAD compares: Non-Finnish European, 0.000085%; no homozygotes.

Submissions (3):

Center for Genomic Medicine, Rigshospitalet, Copenhagen University Hospital
Classification: Pathogenic. Last evaluated: 2025-03-04. Review status: criteria provided, single submitter. Criteria: ACMG Guidelines, 2015. Collection method: clinical testing. Allele origin: germline.

Ambry Genetics
Classification: Pathogenic for Hereditary cancer-predisposing syndrome. Last evaluated: 2024-12-30. Review status: criteria provided, single submitter. Criteria: Ambry Variant Classification Scheme 2023. Collection method: clinical testing. Allele origin: germline.
Comment: The c.438-2A>G intronic pathogenic mutation results from an A to G substitution two nucleotides upstream from coding exon 7 in the BAP1 gene. This alteration has been observed in individuals with a personal and/or family history that is consistent with BAP1-related disease (Testa JR et al. Nat Genet, 2011 Aug;43:1022-5). In vivo mouse studies have shown that mice with this alteration are significantly predisposed to BAP1-associated tumors (Kadariya Y et al. Cancer Res, 2016 05;76:2836-44). RNA studies have demonstrated that this alteration results in abnormal splicing in the set of samples tested (Ambry internal data; Testa JR et al. Nat Genet, 2011 Aug;43:1022-5). This variant is considered to be rare based on population cohorts in the Genome Aggregation Database (gnomAD). This nucleotide position is highly conserved in available vertebrate species. In silico splice site analysis predicts that this alteration will weaken the native splice acceptor site and will result in the creation or strengthening of a novel splice acceptor site. In addition to the clinical data presented in the literature, alterations that disrupt the canonical splice site are expected to cause aberrant splicing, resulting in an abnormal protein or a transcript that is subject to nonsense-mediated mRNA decay. As such, this alteration is classified as a disease-causing mutation.

OMIM
Classification: Pathogenic for TUMOR PREDISPOSITION SYNDROME 1. Last evaluated: 2011-08-28. Review status: no assertion criteria provided. Collection method: literature only. Allele origin: unknown. Not counted in ClinVar's aggregate classification.

Literature cited by the submitters: PubMed 21874000 (cited by 3 submitters); PubMed 26896281 (cited by Center for Genomic Medicine, Rigshospitalet, Copenhagen University Hospital and Ambry Genetics).

NM_004656.4(BAP1):c.438-2A>G

Gene: BAP1 (BRCA1 associated deubiquitinase 1; minus strand). Cytogenetic location: 3p21.1.
Variant type: single nucleotide variant.
Coding change: c.438-2A>G on transcript NM_004656.4 (MANE Select); the canonical splice acceptor site of the intron before coding-DNA position 438, A replaced by G.
Molecular consequence: splice acceptor variant.
Genome position (GRCh38, 1-based): chr3:52,407,318, T>C on the plus strand (A>G on the coding strand, the complement: BAP1 is on the minus strand). VCF-style: chr3-52407318-T-C. GRCh37 (hg19) VCF-style: chr3-52441334-T-C.
Other names: IVS6AS, A-G, -2; c.438-2A>G (NM_001410772.1).
Identifiers: ClinVar variation 30301 (VCV000030301.7), dbSNP rs587776879, ClinGen allele CA129102.